The following is an entry in ClinVar:

NM_001374353.1(GLI2):c.841C>A (p.Leu281Ile)

Gene: GLI2 (GLI family zinc finger 2; plus strand). Cytogenetic location: 2q14.2.
Variant type: single nucleotide variant.
Coding change: c.841C>A on transcript NM_001374353.1 (MANE Select); coding-DNA position 841, C replaced by A.
Protein change: p.Leu281Ile; replaces leucine 281 with isoleucine.
Molecular consequence: missense variant.
Genome position (GRCh38, 1-based): chr2:120,968,911, C>A. VCF-style: chr2-120968911-C-A. GRCh37 (hg19) VCF-style: chr2-121726487-C-A.
Other names: c.841C>A, p.Leu281Ile (NM_001371271.1, NM_005270.5); c.466C>A, p.Leu156Ile (NM_001374354.1); short protein forms L156I, L281I.
Identifiers: ClinVar variation 1441582 (VCV001441582.8), dbSNP rs1558923649, ClinGen allele CA348166815.
Genomic context (GRCh38, chr2:120,968,911, plus strand): 5'-AACAACTCCCGAAGCAGCTCGGCGGCCAGCGGTTCCTACGGGCATCTGTCAGCGGGTGCC[C>A]TCAGGTGAGCCCCGCCTGCAAGCAGAGAGCTGAGGACCAGAGCTGGGCTGAGGGCCCGGT-3'
Protein context (NP_001361282.1, residues 271-291): GSYGHLSAGA[Leu281Ile]SPAFTFPHPI

ClinVar aggregate classification (germline): Uncertain significance. Review status: criteria provided, multiple submitters, no conflicts (2 of 4 stars). 2 submissions from 2 submitters: Uncertain significance (2). Last evaluated 2022-06-07.

Conditions:
Holoprosencephaly 9 (HPE9). Also called: PITUITARY ANOMALIES WITH HOLOPROSENCEPHALY-LIKE FEATURES; HOLOPROSENCEPHALY WITH MICROPHTHALMIA AND FIRST BRANCHIAL ARCH ANOMALIES. Identifiers: Orphanet 2162, MedGen C1835819, MONDO:0012563, OMIM 610829.
Postaxial polydactyly-anterior pituitary anomalies-facial dysmorphism syndrome. Also called: Culler-Jones syndrome. Identifiers: Orphanet 420584, MedGen C4014479, MONDO:0014369, OMIM 615849.

Allele frequency attached by ClinVar (database versions not stated): gnomAD 0.00001; TOPMed 0.00001.
gnomAD v4.1: 2 of 1,610,010 alleles (0.00012%); highest among the groups gnomAD compares: African/African-American, 0.0027%; no homozygotes.

Submissions (2):

Greenwood Genetic Center Diagnostic Laboratories, Greenwood Genetic Center
Classification: Uncertain significance. Last evaluated: 2022-06-07. Review status: criteria provided, single submitter. Criteria: ACMG Guidelines, 2015. Collection method: clinical testing. Allele origin: germline. Affected: yes.
Comment: PM2, BP4

Labcorp Genetics (formerly Invitae), Labcorp
Classification: Uncertain significance for Postaxial polydactyly-anterior pituitary anomalies-facial dysmorphism syndrome; Holoprosencephaly 9. Last evaluated: 2021-10-05. Review status: criteria provided, single submitter. Criteria: Invitae Variant Classification Sherloc (09022015). Collection method: clinical testing. Allele origin: germline.
Comment: This sequence change replaces leucine with isoleucine at codon 281 of the GLI2 protein (p.Leu281Ile). The leucine residue is moderately conserved and there is a small physicochemical difference between leucine and isoleucine. In summary, the available evidence is currently insufficient to determine the role of this variant in disease. Therefore, it has been classified as a Variant of Uncertain Significance. Algorithms developed to predict the effect of missense changes on protein structure and function output the following: SIFT: "Tolerated"; PolyPhen-2: "Benign"; Align-GVGD: "Class C0". The isoleucine amino acid residue is found in multiple mammalian species, which suggests that this missense change does not adversely affect protein function. This variant has not been reported in the literature in individuals affected with GLI2-related conditions. This variant is not present in population databases (ExAC no frequency).